The following is an entry in ClinVar:

NM_000069.3(CACNA1S):c.4051A>C (p.Thr1351Pro)

Gene: CACNA1S (calcium voltage-gated channel subunit alpha1 S; minus strand). Cytogenetic location: 1q32.1.
Variant type: single nucleotide variant.
Coding change: c.4051A>C on transcript NM_000069.3 (MANE Select); coding-DNA position 4051, A replaced by C.
Protein change: p.Thr1351Pro; replaces threonine 1351 with proline.
Molecular consequence: missense variant.
Genome position (GRCh38, 1-based): chr1:201,051,046, T>G on the plus strand (A>C on the coding strand, the complement: CACNA1S is on the minus strand). VCF-style: chr1-201051046-T-G. GRCh37 (hg19) VCF-style: chr1-201020174-T-G.
Other names: short protein forms T1351P.
Identifiers: ClinVar variation 4783506 (VCV004783506.1).

ClinVar aggregate classification (germline): Uncertain significance (1 of 4 stars; one submission).

Conditions:
Malignant hyperthermia, susceptibility to, 5 (MHS5). Also called: CACNA1S-Related Malignant Hyperthermia Susceptibility. Identifiers: Orphanet 423, MedGen C1866077, MONDO:0011163, OMIM 601887.
Hypokalemic periodic paralysis, type 1. Also called: Hypokalemic Periodic Paralysis Type 1 (AD); HypoPP. Identifiers: Orphanet 681, MedGen C3714580, MONDO:0042979, OMIM 170400.

Submission:

Labcorp Genetics (formerly Invitae), Labcorp
Classification: Uncertain significance for Hypokalemic periodic paralysis, type 1; Malignant hyperthermia, susceptibility to, 5. Last evaluated: 2026-01-12. Review status: criteria provided, single submitter. Criteria: Invitae Variant Classification Sherloc (09022015). Collection method: clinical testing. Allele origin: germline.
Comment: This sequence change replaces threonine, which is neutral and polar, with proline, which is neutral and non-polar, at codon 1351 of the CACNA1S protein (p.Thr1351Pro). This variant is not present in population databases (gnomAD no frequency). This variant has not been reported in the literature in individuals affected with CACNA1S-related conditions. Invitae Evidence Modeling of protein sequence and biophysical properties (such as structural, functional, and spatial information, amino acid conservation, physicochemical variation, residue mobility, and thermodynamic stability) has been performed for this missense variant. However, the output from this modeling did not meet the statistical confidence thresholds required to predict the impact of this variant on CACNA1S protein function. In summary, the available evidence is currently insufficient to determine the role of this variant in disease. Therefore, it has been classified as a Variant of Uncertain Significance.